The following is an entry in ClinVar:

ClinVar aggregate classification (germline): Uncertain significance. Review status: criteria provided, multiple submitters, no conflicts (2 of 4 stars). 2 submissions from 2 submitters: Uncertain significance (2). Last evaluated 2025-03-27.

Allele frequency attached by ClinVar (database versions not stated): TOPMed below 0.00001; gnomAD exomes 0.00001.
gnomAD v4.1: 11 of 1,614,188 alleles (0.00068%); highest among the groups gnomAD compares: Admixed American, 0.0033%; no homozygotes.

Submissions (2):

Ambry Genetics
Classification: Uncertain significance. Last evaluated: 2025-03-27. Review status: criteria provided, single submitter. Criteria: Ambry Variant Classification Scheme 2023. Collection method: clinical testing. Allele origin: germline.

Labcorp Genetics (formerly Invitae), Labcorp
Classification: Uncertain significance. Last evaluated: 2023-11-27. Review status: criteria provided, single submitter. Criteria: Invitae Variant Classification Sherloc (09022015). Collection method: clinical testing. Allele origin: germline.
Comment: This sequence change replaces arginine, which is basic and polar, with glutamine, which is neutral and polar, at codon 76 of the CEP89 protein (p.Arg76Gln). This variant is not present in population databases (gnomAD no frequency). This variant has not been reported in the literature in individuals affected with CEP89-related conditions. ClinVar contains an entry for this variant (Variation ID: 1919500). Algorithms developed to predict the effect of missense changes on protein structure and function output the following: SIFT: "Not Available"; PolyPhen-2: "Benign"; Align-GVGD: "Not Available". The glutamine amino acid residue is found in multiple mammalian species, which suggests that this missense change does not adversely affect protein function. In summary, the available evidence is currently insufficient to determine the role of this variant in disease. Therefore, it has been classified as a Variant of Uncertain Significance.

NM_032816.5(CEP89):c.227G>A (p.Arg76Gln)

Gene: CEP89 (centrosomal protein 89; minus strand). Cytogenetic location: 19q13.11.
Variant type: single nucleotide variant.
Coding change: c.227G>A on transcript NM_032816.5 (MANE Select); coding-DNA position 227, G replaced by A.
Protein change: p.Arg76Gln; replaces arginine 76 with glutamine.
Molecular consequence: missense variant.
Genome position (GRCh38, 1-based): chr19:32,959,978, C>T on the plus strand (G>A on the coding strand, the complement: CEP89 is on the minus strand). VCF-style: chr19-32959978-C-T. GRCh37 (hg19) VCF-style: chr19-33450884-C-T.
Other names: c.227G>A (NM_032816.3); short protein forms R76Q.
Identifiers: ClinVar variation 1919500 (VCV001919500.6), dbSNP rs1971131245, ClinGen allele CA405196343.
Genomic context (GRCh38, chr19:32,959,978, plus strand): 5'-GTGGTGGCATAGGGCTCGATGAAGCTGTCCTGTTCAACACTGCTCACATCACTCTCAGAC[C>T]GGGACCTCTGGCGAGGCTGAGGAATAGCAACCGTCCGCCCAGTCAATGTTGTCGCCAGAA-3'
Protein context (NP_116205.3, residues 66-86): VAIPQPRQRS[Arg76Gln]SESDVSSVEQ